The following is an entry in ClinVar:

ClinVar aggregate classification (germline): Likely pathogenic. Review status: criteria provided, multiple submitters, no conflicts (2 of 4 stars). 4 submissions from 4 submitters: Likely pathogenic (4). Last evaluated 2026-03-24.

Conditions:
Beta-D-mannosidosis (MANSB). Also called: LYSOSOMAL BETA-MANNOSIDASE DEFICIENCY; Beta-Mannosidosis; MANNOSIDOSIS, BETA A, LYSOSOMAL; BETA-MANNOSIDASE DEFICIENCY. Identifiers: Orphanet 118, MedGen C4048196, MONDO:0009562, OMIM 248510.

Allele frequency attached by ClinVar (database versions not stated): ExAC 0.00001; gnomAD exomes 0.00001 and 0.00002; gnomAD 0.00002; TOPMed 0.00002.
gnomAD v4.1: 15 of 1,607,490 alleles (0.00093%); highest among the groups gnomAD compares: Admixed American, 0.0067%; no homozygotes.

Submissions (4):

GeneDx
Classification: Likely pathogenic. Last evaluated: 2026-03-24. Review status: criteria provided, single submitter. Criteria: GeneDx Variant Classification Process June 2021. Collection method: clinical testing. Allele origin: germline.
Comment: Canonical splice site variant predicted to result in a null allele in a gene for which loss of function is a known mechanism of disease; Not observed at significant frequency in large population cohorts (gnomAD); Has not been previously published as pathogenic or benign to our knowledge

Labcorp Genetics (formerly Invitae), Labcorp
Classification: Likely pathogenic for Beta-D-mannosidosis. Last evaluated: 2025-08-20. Review status: criteria provided, single submitter. Criteria: Invitae Variant Classification Sherloc (09022015). Collection method: clinical testing. Allele origin: germline.
Comment: This sequence change affects an acceptor splice site in intron 4 of the MANBA gene. It is expected to disrupt RNA splicing. Variants that disrupt the donor or acceptor splice site typically lead to a loss of protein function (PMID: 16199547), and loss-of-function variants in MANBA are known to be pathogenic (PMID: 9384606, 12468273). This variant is present in population databases (rs760404534, gnomAD 0.006%). This variant has not been reported in the literature in individuals affected with MANBA-related conditions. ClinVar contains an entry for this variant (Variation ID: 1514977). Algorithms developed to predict the effect of sequence changes on RNA splicing suggest that this variant may disrupt the consensus splice site. In summary, the currently available evidence indicates that the variant is pathogenic, but additional data are needed to prove that conclusively. Therefore, this variant has been classified as Likely Pathogenic.

Fulgent Genetics
Classification: Likely pathogenic for Beta-D-mannosidosis. Last evaluated: 2024-06-18. Review status: criteria provided, single submitter. Criteria: ACMG Guidelines, 2015. Collection method: clinical testing. Allele origin: germline.

Women's Health and Genetics/Laboratory Corporation of America, LabCorp
Classification: Likely pathogenic for Beta-D-mannosidosis. Last evaluated: 2023-08-24. Review status: criteria provided, single submitter. Criteria: LabCorp Variant Classification Summary - May 2015. Collection method: clinical testing. Allele origin: germline.
Comment: Variant summary: MANBA c.550-1G>A is located in a canonical splice-site and is predicted to affect mRNA splicing resulting in a significantly altered protein due to either exon skipping, shortening, or inclusion of intronic material. Several computational tools predict a significant impact on normal splicing: Four predict the variant abolishes a 3' acceptor site. However, these predictions have yet to be confirmed by functional studies. The variant allele was found at a frequency of 1.6e-05 in 250856 control chromosomes. To our knowledge, no occurrence of c.550-1G>A in individuals affected with Beta-Mannosidosis and no experimental evidence demonstrating its impact on protein function have been reported. One submitter has cited clinical-significance assessments for this variant to ClinVar after 2014 and has classified the variant as likely pathogenic. Based on the evidence outlined above, the variant was classified as likely pathogenic.

Literature cited by the submitters: PubMed 16199547 (cited by Labcorp Genetics (formerly Invitae), Labcorp); PubMed 9384606 (cited by Labcorp Genetics (formerly Invitae), Labcorp); PubMed 12468273 (cited by Labcorp Genetics (formerly Invitae), Labcorp).

NM_005908.4(MANBA):c.550-1G>A

Gene: MANBA (mannosidase beta; minus strand). Cytogenetic location: 4q24.
Variant type: single nucleotide variant.
Coding change: c.550-1G>A on transcript NM_005908.4 (MANE Select); the canonical splice acceptor site of the intron before coding-DNA position 550, G replaced by A.
Molecular consequence: splice acceptor variant.
Genome position (GRCh38, 1-based): chr4:102,714,562, C>T on the plus strand (G>A on the coding strand, the complement: MANBA is on the minus strand). VCF-style: chr4-102714562-C-T. GRCh37 (hg19) VCF-style: chr4-103635719-C-T.
Other names: c.550-1G>A (NM_005908.3).
Identifiers: ClinVar variation 1514977 (VCV001514977.11), dbSNP rs760404534, ClinGen allele CA3027175.